The following is an entry in ClinVar:

ClinVar aggregate classification (germline): Uncertain significance. Review status: criteria provided, multiple submitters, no conflicts (2 of 4 stars). 4 submissions from 4 submitters: Uncertain significance (4). Last evaluated 2024-11-16.

Conditions:
Age related macular degeneration 1 (ARMD1). Also called: MACULOPATHY, AGE-RELATED, 1. Identifiers: MedGen C1864205, MONDO:0011285, OMIM 603075.

Allele frequency attached by ClinVar (database versions not stated): TOPMed 0.00001; gnomAD exomes 0.00002; gnomAD 0.00003; ExAC 0.00005.
gnomAD v4.1: 38 of 1,613,686 alleles (0.0024%); highest among the groups gnomAD compares: South Asian, 0.0033%; no homozygotes.

Submissions (4):

Labcorp Genetics (formerly Invitae), Labcorp
Classification: Uncertain significance. Last evaluated: 2024-11-16. Review status: criteria provided, single submitter. Criteria: Invitae Variant Classification Sherloc (09022015). Collection method: clinical testing. Allele origin: germline.
Comment: This sequence change replaces arginine, which is basic and polar, with histidine, which is basic and polar, at codon 5249 of the HMCN1 protein (p.Arg5249His). This variant is present in population databases (rs766387783, gnomAD 0.008%). This variant has not been reported in the literature in individuals affected with HMCN1-related conditions. ClinVar contains an entry for this variant (Variation ID: 444187). An algorithm developed to predict the effect of missense changes on protein structure and function (PolyPhen-2) suggests that this variant is likely to be disruptive. In summary, the available evidence is currently insufficient to determine the role of this variant in disease. Therefore, it has been classified as a Variant of Uncertain Significance.

Genome-Nilou Lab
Classification: Uncertain significance for Age related macular degeneration 1. Last evaluated: 2023-04-11. Review status: criteria provided, single submitter. Criteria: ACMG Guidelines, 2015. Collection method: clinical testing. Allele origin: germline. Affected: no.

Ambry Genetics
Classification: Uncertain significance. Last evaluated: 2021-10-19. Review status: criteria provided, single submitter. Criteria: Ambry Variant Classification Scheme 2023. Collection method: clinical testing. Allele origin: germline.

CeGaT Center for Human Genetics Tuebingen
Classification: Uncertain significance. Last evaluated: 2017-05-01. Review status: criteria provided, single submitter. Criteria: CeGaT Center For Human Genetics Tuebingen Variant Classification Criteria Version 2. Collection method: clinical testing. Allele origin: germline. Affected: yes. Observed: 1 variant allele.

NM_031935.3(HMCN1):c.15746G>A (p.Arg5249His)

Gene: HMCN1 (hemicentin 1; plus strand). Cytogenetic location: 1q31.1.
Variant type: single nucleotide variant.
Coding change: c.15746G>A on transcript NM_031935.3 (MANE Select); coding-DNA position 15746, G replaced by A.
Protein change: p.Arg5249His; replaces arginine 5249 with histidine.
Molecular consequence: missense variant.
Genome position (GRCh38, 1-based): chr1:186,172,063, G>A. VCF-style: chr1-186172063-G-A. GRCh37 (hg19) VCF-style: chr1-186141195-G-A.
Other names: c.15746G>A (NM_031935.2); short protein forms R5249H.
Identifiers: ClinVar variation 444187 (VCV000444187.48), dbSNP rs766387783, ClinGen allele CA1295363.